The following is an entry in ClinVar:

NM_001458.5(FLNC):c.4952G>A (p.Gly1651Asp)

Gene: FLNC (filamin C; plus strand). Cytogenetic location: 7q32.1.
Variant type: single nucleotide variant.
Coding change: c.4952G>A on transcript NM_001458.5 (MANE Select); coding-DNA position 4952, G replaced by A.
Protein change: p.Gly1651Asp; replaces glycine 1651 with aspartic acid.
Molecular consequence: missense variant.
Genome position (GRCh38, 1-based): chr7:128,849,331, G>A. VCF-style: chr7-128849331-G-A. GRCh37 (hg19) VCF-style: chr7-128489385-G-A.
Other names: c.4952G>A, p.Gly1651Asp (NM_001127487.2); short protein forms G1651D.
Identifiers: ClinVar variation 423624 (VCV000423624.19), dbSNP rs762493974, ClinGen allele CA4475530.

ClinVar aggregate classification (germline): Uncertain significance. Review status: criteria provided, multiple submitters, no conflicts (2 of 4 stars). 5 submissions from 5 submitters: Uncertain significance (5). Last evaluated 2025-09-14.

Conditions:
Cardiovascular phenotype. Identifiers: MedGen CN230736.
Myofibrillar myopathy 5. Also called: Filaminopathy (type); FILAMINOPATHY, AUTOSOMAL DOMINANT. Identifiers: Orphanet 171445, MedGen C1836050, MONDO:0012289, OMIM 609524.
Hypertrophic cardiomyopathy 26. Also called: Cardiomyopathy, familial hypertrophic, 26. Identifiers: Orphanet 75249, MedGen C4310749, MONDO:0014883, OMIM 617047.
Distal myopathy with posterior leg and anterior hand involvement. Also called: WILLIAMS DISTAL MYOPATHY. Identifiers: Orphanet 63273, MedGen C3279722, MONDO:0013550, OMIM 614065.

Allele frequency attached by ClinVar (database versions not stated): gnomAD 0.00001; ExAC 0.00002; TOPMed 0.00003; gnomAD exomes 0.00005.
gnomAD v4.1: 16 of 1,614,012 alleles (0.00099%); highest among the groups gnomAD compares: Admixed American, 0.027%; no homozygotes.

Submissions (5):

Labcorp Genetics (formerly Invitae), Labcorp
Classification: Uncertain significance for Distal myopathy with posterior leg and anterior hand involvement; Myofibrillar myopathy 5; Hypertrophic cardiomyopathy 26. Last evaluated: 2025-09-14. Review status: criteria provided, single submitter. Criteria: Invitae Variant Classification Sherloc (09022015). Collection method: clinical testing. Allele origin: germline.
Comment: This sequence change replaces glycine, which is neutral and non-polar, with aspartic acid, which is acidic and polar, at codon 1651 of the FLNC protein (p.Gly1651Asp). This variant is present in population databases (rs762493974, gnomAD 0.04%). This variant has not been reported in the literature in individuals affected with FLNC-related conditions. ClinVar contains an entry for this variant (Variation ID: 423624). An algorithm developed to predict the effect of missense changes on protein structure and function (PolyPhen-2) suggests that this variant is likely to be disruptive. In summary, the available evidence is currently insufficient to determine the role of this variant in disease. Therefore, it has been classified as a Variant of Uncertain Significance.

GeneDx
Classification: Uncertain significance. Last evaluated: 2023-11-27. Review status: criteria provided, single submitter. Criteria: GeneDx Variant Classification Process June 2021. Collection method: clinical testing. Allele origin: germline. Affected: yes.
Comment: In silico analysis supports that this missense variant has a deleterious effect on protein structure/function; Has not been previously published as pathogenic or benign to our knowledge

Revvity Omics, Revvity
Classification: Uncertain significance. Last evaluated: 2019-11-16. Review status: criteria provided, single submitter. Criteria: ACMG Guidelines, 2015. Collection method: clinical testing. Allele origin: germline.

Ambry Genetics
Classification: Uncertain significance for Cardiovascular phenotype. Last evaluated: 2019-08-06. Review status: criteria provided, single submitter. Criteria: Ambry Variant Classification Scheme 2023. Collection method: clinical testing. Allele origin: germline.
Comment: The p.G1651D variant (also known as c.4952G>A) is located in coding exon 30 of the FLNC gene. The glycine at codon 1651 is replaced by aspartic acid, an amino acid with similar properties. This change occurs in the first base pair of coding exon 30. This amino acid position is highly conserved in available vertebrate species. In addition, the in silico prediction for this alteration is inconclusive. Since supporting evidence is limited at this time, the clinical significance of this alteration remains unclear.

Eurofins Ntd Llc (ga)
Classification: Uncertain significance. Last evaluated: 2016-11-30. Review status: criteria provided, single submitter. Criteria: EGL Classification Definitions 2015. Collection method: clinical testing. Allele origin: germline. Observed: 1 variant allele, 1 heterozygote.